The following is an entry in ClinVar:

ClinVar aggregate classification (germline): Uncertain significance (1 of 4 stars; one submission).

Submission:

GeneDx
Classification: Uncertain significance. Last evaluated: 2024-10-03. Review status: criteria provided, single submitter. Criteria: GeneDx Variant Classification Process June 2021. Collection method: clinical testing. Allele origin: germline. Affected: yes.
Comment: Not observed at significant frequency in large population cohorts (gnomAD); In silico analysis supports that this missense variant does not alter protein structure/function; Has not been previously published as pathogenic or benign to our knowledge

NM_014727.3(KMT2B):c.3168G>C (p.Glu1056Asp)

Gene: KMT2B (lysine methyltransferase 2B; plus strand). Cytogenetic location: 19q13.12.
Variant type: single nucleotide variant.
Coding change: c.3168G>C on transcript NM_014727.3 (MANE Select); coding-DNA position 3168, G replaced by C.
Protein change: p.Glu1056Asp; replaces glutamic acid 1056 with aspartic acid.
Molecular consequence: missense variant.
Genome position (GRCh38, 1-based): chr19:35,723,841, G>C. VCF-style: chr19-35723841-G-C. GRCh37 (hg19) VCF-style: chr19-36214742-G-C.
Other names: short protein forms E1056D.
Identifiers: ClinVar variation 1304776 (VCV001304776.3), dbSNP rs2146446212, ClinGen allele CA405404336.